The following is an entry in ClinVar:

NM_000542.5(SFTPB):c.393+9T>G

Gene: SFTPB (surfactant protein B; minus strand). Cytogenetic location: 2p11.2.
Variant type: single nucleotide variant.
Coding change: c.393+9T>G on transcript NM_000542.5 (MANE Select); 9 bases into the intron after coding-DNA position 393, T replaced by G.
Molecular consequence: intron variant.
Genome position (GRCh38, 1-based): chr2:85,666,608, A>C on the plus strand (T>G on the coding strand, the complement: SFTPB is on the minus strand). VCF-style: chr2-85666608-A-C. GRCh37 (hg19) VCF-style: chr2-85893731-A-C.
Other names: c.393+9T>G (NM_198843.3, NM_001367281.1).
Identifiers: ClinVar variation 757547 (VCV000757547.12), dbSNP rs35471261, ClinGen allele CA1744076.

ClinVar aggregate classification (germline): Benign/Likely benign. Review status: criteria provided, multiple submitters, no conflicts (2 of 4 stars). 3 submissions from 3 submitters: Benign (1); Likely benign (1). 1 of the submissions does not count toward it. Last evaluated 2025-09-13.

Conditions:
Surfactant metabolism dysfunction, pulmonary, 1. Also called: Pulmonary surfactant protein B, deficiency of; INTERSTITIAL LUNG DISEASE DUE TO SURFACTANT PROTEIN B DEFICIENCY; INTERSTITIAL LUNG DISEASE, NONSPECIFIC, DUE TO SURFACTANT PROTEIN B DEFICIENCY; PULMONARY ALVEOLAR PROTEINOSIS, CONGENITAL, 1; Neonatal acute respiratory distress due to SP-B deficiency. Identifiers: Orphanet 217563, MedGen C1968602, MONDO:0009929, OMIM 265120.
SFTPB-related disorder. Also called: SFTPB-related condition.

Allele frequency attached by ClinVar (database versions not stated): TOPMed 0.00099; gnomAD exomes 0.00009 and 0.00019; ExAC 0.00027; 1000 Genomes Project 30x 0.00094; 1000 Genomes Project 0.00100; gnomAD 0.00082 and 0.00087; ESP Exome Variant Server 0.00100.

Submissions (3):

Labcorp Genetics (formerly Invitae), Labcorp
Classification: Benign. Last evaluated: 2025-09-13. Review status: criteria provided, single submitter. Criteria: Invitae Variant Classification Sherloc (09022015). Collection method: clinical testing. Allele origin: germline.

Johns Hopkins Genomics, Johns Hopkins University
Classification: Likely benign for Surfactant metabolism dysfunction, pulmonary, 1. Last evaluated: 2020-03-23. Review status: criteria provided, single submitter. Criteria: ACMG Guidelines, 2015. Collection method: clinical testing. Allele origin: germline.

PreventionGenetics, part of Exact Sciences
Classification: Likely benign for SFTPB-related condition. Last evaluated: 2019-09-20. Review status: no assertion criteria provided. Collection method: clinical testing. Allele origin: germline. Not counted in ClinVar's aggregate classification.
Comment: This variant is classified as likely benign based on ACMG/AMP sequence variant interpretation guidelines (Richards et al. 2015 PMID: 25741868, with internal and published modifications).